The following is an entry in ClinVar:

NM_020320.5(RARS2):c.1564G>A (p.Val522Ile)

Gene: RARS2 (arginyl-tRNA synthetase 2, mitochondrial; minus strand). Cytogenetic location: 6q15.
Variant type: single nucleotide variant.
Coding change: c.1564G>A on transcript NM_020320.5 (MANE Select); coding-DNA position 1564, G replaced by A.
Protein change: p.Val522Ile; replaces valine 522 with isoleucine.
Molecular consequence: missense variant. On other transcripts: non-coding transcript variant (23).
Genome position (GRCh38, 1-based): chr6:87,516,828, C>T on the plus strand (G>A on the coding strand, the complement: RARS2 is on the minus strand). VCF-style: chr6-87516828-C-T. GRCh37 (hg19) VCF-style: chr6-88226546-C-T.
Other names: c.1039G>A, p.Val347Ile (NM_001318785.2, NM_001350506.2, NM_001350507.2 and 4 more transcripts); c.1564G>A, p.Val522Ile (NM_001350505.2); short protein forms V347I, V522I.
Identifiers: ClinVar variation 869402 (VCV000869402.12), dbSNP rs201386427, ClinGen allele CA3916223.

ClinVar aggregate classification (germline): Pathogenic/Likely pathogenic. Review status: criteria provided, multiple submitters, no conflicts (2 of 4 stars). 6 submissions from 6 submitters: Pathogenic (2); Likely pathogenic (4). Last evaluated 2025-12-01.

Conditions:
RARS2-related disorder. Also called: RARS2-related condition.
Pontocerebellar hypoplasia type 6 (PCH6). Identifiers: Orphanet 166073, MedGen C1969084, MONDO:0012683, OMIM 611523.

Allele frequency attached by ClinVar (database versions not stated): gnomAD 0.00005 and 0.00006; gnomAD exomes 0.00005; TOPMed 0.00005; ExAC 0.00007.
gnomAD v4.1: 53 of 1,613,538 alleles (0.0033%); highest among the groups gnomAD compares: East Asian, 0.013%; no homozygotes.

Submissions (6):

Natera, Inc.
Classification: Likely pathogenic for Pontocerebellar hypoplasia, type 6. Last evaluated: 2025-12-01. Review status: criteria provided, single submitter. Criteria: Natera Variant Classification Schema (03/2026). Collection method: clinical testing. Allele origin: germline.
Comment: The c.1564G>A variant in RARS2 is a missense variant predicted to cause substitution of valine to isoleucine at amino acid 522. This variant is rare in the general population with a frequency below the threshold expected for the associated phenotype(s). This variant has been observed in one or more individuals affected with the associated recessive disease, as either homozygous or compound heterozygous with a second variant (PMID: 35707589, 34247374, 39521787). Computational prediction algorithms indicate this variant is likely to affect gene or protein function. Given the available evidence, this variant is classified as Likely Pathogenic.

Labcorp Genetics (formerly Invitae), Labcorp
Classification: Pathogenic. Last evaluated: 2025-06-30. Review status: criteria provided, single submitter. Criteria: Invitae Variant Classification Sherloc (09022015). Collection method: clinical testing. Allele origin: germline.
Comment: This sequence change replaces valine, which is neutral and non-polar, with isoleucine, which is neutral and non-polar, at codon 522 of the RARS2 protein (p.Val522Ile). This variant is present in population databases (rs201386427, gnomAD 0.03%). This missense change has been observed in individual(s) with pontocerebellar hypoplasia (PMID: 32313153, 33972171, 34247374, 35707589). In at least one individual the data is consistent with being in trans (on the opposite chromosome) from a pathogenic variant. It has also been observed to segregate with disease in related individuals. ClinVar contains an entry for this variant (Variation ID: 869402). Invitae Evidence Modeling of protein sequence and biophysical properties (such as structural, functional, and spatial information, amino acid conservation, physicochemical variation, residue mobility, and thermodynamic stability) indicates that this missense variant is expected to disrupt RARS2 protein function with a positive predictive value of 95%. For these reasons, this variant has been classified as Pathogenic.

Kids Research, The Children's Hospital at Westmead
Classification: Likely pathogenic for Pontocerebellar hypoplasia type 6. Last evaluated: 2024-10-27. Review status: criteria provided, single submitter. Criteria: ACMG Guidelines, 2015. Collection method: research. Allele origin: inherited. Inheritance: Autosomal recessive inheritance. Affected: yes.
Comment: PM3_Strong, PM2

Blueprint Genetics
Classification: Pathogenic for RARS2-related disorders. Last evaluated: 2024-09-15. Review status: criteria provided, single submitter. Criteria: ACMG Guidelines, 2015. Collection method: clinical testing. Allele origin: germline. Affected: yes. Observed: 2 variant alleles.

Baylor Genetics
Classification: Likely pathogenic for Pontocerebellar hypoplasia type 6. Last evaluated: 2024-03-14. Review status: criteria provided, single submitter. Criteria: ACMG Guidelines, 2015. Collection method: clinical testing. Allele origin: unknown.

Fulgent Genetics
Classification: Likely pathogenic for Pontocerebellar hypoplasia type 6. Last evaluated: 2024-02-06. Review status: criteria provided, single submitter. Criteria: ACMG Guidelines, 2015. Collection method: clinical testing. Allele origin: germline.

Literature cited by the submitters: PubMed 35707589 (cited by Natera, Inc. and Labcorp Genetics (formerly Invitae), Labcorp); PubMed 34247374 (cited by Natera, Inc. and Labcorp Genetics (formerly Invitae), Labcorp); PubMed 39521787 (cited by Natera, Inc.); PubMed 32313153 (cited by Labcorp Genetics (formerly Invitae), Labcorp and Kids Research, The Children's Hospital at Westmead); PubMed 33972171 (cited by Labcorp Genetics (formerly Invitae), Labcorp).